The following is an entry in ClinVar:

NM_033064.5(ATCAY):c.1053G>A (p.Glu351=)

Gene: ATCAY (ATCAY kinesin light chain interacting caytaxin; plus strand). Cytogenetic location: 19p13.3.
Variant type: single nucleotide variant.
Coding change: c.1053G>A on transcript NM_033064.5 (MANE Select); coding-DNA position 1053, G replaced by A.
Protein change: p.Glu351=; no amino-acid change (glutamic acid 351 retained).
Molecular consequence: synonymous variant.
Genome position (GRCh38, 1-based): chr19:3,918,857, G>A. VCF-style: chr19-3918857-G-A. GRCh37 (hg19) VCF-style: chr19-3918855-G-A.
Other names: p.Glu351=.
Identifiers: ClinVar variation 789346 (VCV000789346.43), dbSNP rs369876142, ClinGen allele CA9087427.

ClinVar aggregate classification (germline): Conflicting classifications of pathogenicity. Review status: criteria provided, conflicting classifications (1 of 4 stars). 5 submissions from 5 submitters: Uncertain significance (1); Likely benign (4). Last evaluated 2025-10-01.

Conditions:
Cayman type cerebellar ataxia. Also called: Cayman ataxia. Identifiers: Orphanet 94122, MedGen C1832585, MONDO:0011025, OMIM 601238.

Allele frequency attached by ClinVar (database versions not stated): ExAC 0.00107; 1000 Genomes Project 30x 0.00016; 1000 Genomes Project 0.00020; ESP Exome Variant Server 0.00096; gnomAD 0.00117 and 0.00125; gnomAD exomes 0.00122 and 0.00160; TOPMed 0.00172.
gnomAD v4.1: 2,507 of 1,614,030 alleles (0.16%); highest among the groups gnomAD compares: Admixed American, 0.33%; 3 homozygotes.

Submissions (5):

CeGaT Center for Human Genetics Tuebingen
Classification: Likely benign. Last evaluated: 2025-10-01. Review status: criteria provided, single submitter. Criteria: CeGaT Center For Human Genetics Tuebingen Variant Classification Criteria Version 2. Collection method: clinical testing. Allele origin: germline. Affected: yes. Observed: 6 variant alleles.
Comment: ATCAY: BP4, BP7

Mayo Clinic Laboratories, Mayo Clinic
Classification: Likely benign. Last evaluated: 2025-02-10. Review status: criteria provided, single submitter. Criteria: ACMG Guidelines, 2015. Collection method: clinical testing. Allele origin: germline. Observed: 1 variant allele.
Comment: BS2, BP4, BP7

Blueprint Genetics
Classification: Likely benign. Last evaluated: 2024-11-06. Review status: criteria provided, single submitter. Criteria: ACMG Guidelines, 2015. Collection method: clinical testing. Allele origin: germline.

Labcorp Genetics (formerly Invitae), Labcorp
Classification: Likely benign. Last evaluated: 2018-06-23. Review status: criteria provided, single submitter. Criteria: Invitae Variant Classification Sherloc (09022015). Collection method: clinical testing. Allele origin: germline.

Illumina Laboratory Services, Illumina
Classification: Uncertain significance for Cayman type cerebellar ataxia. Last evaluated: 2018-01-12. Review status: criteria provided, single submitter. Criteria: ICSL Variant Classification Criteria 13 December 2019. Collection method: clinical testing. Allele origin: germline.